The following is an entry in ClinVar:

ClinVar aggregate classification (germline): Uncertain significance. Review status: criteria provided, multiple submitters, no conflicts (2 of 4 stars). 3 submissions from 3 submitters: Uncertain significance (3). Last evaluated 2024-08-12.

Conditions:
Focal segmental glomerulosclerosis 6 (FSGS6). Identifiers: Orphanet 656, MedGen C3279905, MONDO:0013589, OMIM 614131.
Inborn genetic diseases. Identifiers: MedGen C0950123, MeSH D030342.

Allele frequency attached by ClinVar (database versions not stated): ExAC 0.00002; gnomAD exomes 0.00002 and 0.00006; TOPMed 0.00003; gnomAD 0.00004.

Submissions (3):

Ambry Genetics
Classification: Uncertain significance for Inborn genetic diseases. Last evaluated: 2024-08-12. Review status: criteria provided, single submitter. Criteria: Ambry Variant Classification Scheme 2023. Collection method: clinical testing. Allele origin: germline.

Fulgent Genetics
Classification: Uncertain significance for Focal segmental glomerulosclerosis 6. Last evaluated: 2024-05-31. Review status: criteria provided, single submitter. Criteria: ACMG Guidelines, 2015. Collection method: clinical testing. Allele origin: germline.

Labcorp Genetics (formerly Invitae), Labcorp
Classification: Uncertain significance. Last evaluated: 2021-08-30. Review status: criteria provided, single submitter. Criteria: Invitae Variant Classification Sherloc (09022015). Collection method: clinical testing. Allele origin: germline.
Comment: This sequence change replaces arginine with tryptophan at codon 163 of the MYO1E protein (p.Arg163Trp). The arginine residue is highly conserved and there is a moderate physicochemical difference between arginine and tryptophan. This variant is present in population databases (rs763194287, ExAC 0.003%). This variant has not been reported in the literature in individuals affected with MYO1E-related conditions. Algorithms developed to predict the effect of missense changes on protein structure and function (SIFT, PolyPhen-2, Align-GVGD) all suggest that this variant is likely to be disruptive. In summary, the available evidence is currently insufficient to determine the role of this variant in disease. Therefore, it has been classified as a Variant of Uncertain Significance.

NM_004998.4(MYO1E):c.487C>T (p.Arg163Trp)

Gene: MYO1E (myosin IE; minus strand). Cytogenetic location: 15q22.2.
Variant type: single nucleotide variant.
Coding change: c.487C>T on transcript NM_004998.4 (MANE Select); coding-DNA position 487, C replaced by T.
Protein change: p.Arg163Trp; replaces arginine 163 with tryptophan.
Molecular consequence: missense variant.
Genome position (GRCh38, 1-based): chr15:59,231,725, G>A on the plus strand (C>T on the coding strand, the complement: MYO1E is on the minus strand). VCF-style: chr15-59231725-G-A. GRCh37 (hg19) VCF-style: chr15-59523924-G-A.
Other names: c.487C>T (NM_004998.2); short protein forms R163W.
Identifiers: ClinVar variation 955556 (VCV000955556.10), dbSNP rs763194287, ClinGen allele CA7590316.